The following is an entry in ClinVar:

NM_004655.4(AXIN2):c.1669del (p.Ser557fs)

Gene: AXIN2 (axin 2; minus strand). Cytogenetic location: 17q24.1.
Variant type: Deletion.
Coding change: c.1669del on transcript NM_004655.4 (MANE Select); coding-DNA position 1669, one base deleted (A; older notation c.1669delA).
Protein change: p.Ser557fs; shifts the reading frame from serine 557.
Molecular consequence: frameshift variant.
Genome position (GRCh38, 1-based): chr17:65,537,367, T deleted on the plus strand (A on the coding strand, the reverse complement: AXIN2 is on the minus strand); the first of 4 consecutive T bases (chr17:65,537,367-65,537,370); deleting any one gives the same sequence. VCF-style (leftmost placement, unchanged base first): chr17-65537366-CT-C. GRCh37 (hg19) VCF-style: chr17-63533484-CT-C.
Other names: c.1669del, p.Ser557fs (NM_001363813.1); short protein forms S557fs.
Identifiers: ClinVar variation 2844873 (VCV002844873.3), dbSNP rs2144456484, ClinGen allele CA2734123625.
Genomic context (GRCh38, chr17:65,537,366, plus strand): 5'-GGTCCGCCCGGCACTTACCCAAACTGCTCGCTGGGCATGGTTTCCGGAGCCTTGGAGTGG[CT>C]TTTGCATTTCGAGTAGCAGTAATACTCGCTGCCCCCAGGGCAGAAGCAGTGCACCCGCTG-3'

ClinVar aggregate classification (germline): Pathogenic (1 of 4 stars; one submission).

Conditions:
Oligodontia-cancer predisposition syndrome. Also called: TOOTH AGENESIS-COLORECTAL CANCER SYNDROME. Identifiers: Orphanet 300576, MedGen C1837750, MONDO:0012075, OMIM 608615. Disease mechanism: loss of function.

Submission:

Labcorp Genetics (formerly Invitae), Labcorp
Classification: Pathogenic for Oligodontia-cancer predisposition syndrome. Last evaluated: 2023-06-05. Review status: criteria provided, single submitter. Criteria: Invitae Variant Classification Sherloc (09022015). Collection method: clinical testing. Allele origin: germline.
Comment: This sequence change creates a premature translational stop signal (p.Ser557Alafs*132) in the AXIN2 gene. It is expected to result in an absent or disrupted protein product. Loss-of-function variants in AXIN2 are known to be pathogenic (PMID: 15042511, 21416598). This variant is not present in population databases (gnomAD no frequency). For these reasons, this variant has been classified as Pathogenic. This variant has not been reported in the literature in individuals affected with AXIN2-related conditions.

Literature cited by the submitters: PubMed 15042511; PubMed 21416598.